The following is an entry in ClinVar:

ClinVar aggregate classification (germline): Uncertain significance (1 of 4 stars; one submission).

Conditions:
Inborn genetic diseases. Identifiers: MedGen C0950123, MeSH D030342.

Allele frequency attached by ClinVar (database versions not stated): gnomAD exomes below 0.00001.
gnomAD v4.1: 2 of 1,612,108 alleles (0.00012%); highest among the groups gnomAD compares: East Asian, 0.0045%; no homozygotes.

Submission:

Ambry Genetics
Classification: Uncertain significance for Inborn genetic diseases. Last evaluated: 2022-05-20. Review status: criteria provided, single submitter. Criteria: Ambry Variant Classification Scheme 2023. Collection method: clinical testing. Allele origin: germline.
Comment: The p.L422F variant (also known as c.1266G>C), located in coding exon 11 of the LRRK2 gene, results from a G to C substitution at nucleotide position 1266. The leucine at codon 422 is replaced by phenylalanine, an amino acid with highly similar properties. This amino acid position is conserved. In addition, the in silico prediction for this alteration is inconclusive. Since supporting evidence is limited at this time, the clinical significance of this alteration remains unclear.

NM_198578.4(LRRK2):c.1266G>C (p.Leu422Phe)

Gene: LRRK2 (leucine rich repeat kinase 2; plus strand). Cytogenetic location: 12q12.
Variant type: single nucleotide variant.
Coding change: c.1266G>C on transcript NM_198578.4 (MANE Select); coding-DNA position 1266, G replaced by C.
Protein change: p.Leu422Phe; replaces leucine 422 with phenylalanine.
Molecular consequence: missense variant.
Genome position (GRCh38, 1-based): chr12:40,252,994, G>C. VCF-style: chr12-40252994-G-C. GRCh37 (hg19) VCF-style: chr12-40646796-G-C.
Other names: short protein forms L422F.
Identifiers: ClinVar variation 1764305 (VCV001764305.2), dbSNP rs2499515196, ClinGen allele CA384409585.